The following is an entry in ClinVar:

ClinVar aggregate classification (germline): Benign. Review status: criteria provided, multiple submitters, no conflicts (2 of 4 stars). 4 submissions from 4 submitters: Benign (4). Last evaluated 2026-02-01.

Conditions:
Age related macular degeneration 1 (ARMD1). Also called: MACULOPATHY, AGE-RELATED, 1. Identifiers: MedGen C1864205, MONDO:0011285, OMIM 603075.

Allele frequency attached by ClinVar (database versions not stated): gnomAD exomes 0.00285 and 0.00740; ExAC 0.00879; gnomAD 0.02907 and 0.03129; 1000 Genomes Project 0.03055; TOPMed 0.03293; ESP Exome Variant Server 0.03314; 1000 Genomes Project 30x 0.03342.
gnomAD v4.1: 8,753 of 1,612,996 alleles (0.54%); highest among the groups gnomAD compares: African/African-American, 10%; 390 homozygotes.

Submissions (4):

Labcorp Genetics (formerly Invitae), Labcorp
Classification: Benign. Last evaluated: 2026-02-01. Review status: criteria provided, single submitter. Criteria: Invitae Variant Classification Sherloc (09022015). Collection method: clinical testing. Allele origin: germline.

Genome-Nilou Lab
Classification: Benign for Age related macular degeneration 1. Last evaluated: 2023-04-11. Review status: criteria provided, single submitter. Criteria: ACMG Guidelines, 2015. Collection method: clinical testing. Allele origin: germline. Affected: no.

Illumina Laboratory Services, Illumina
Classification: Benign for Age related macular degeneration 1. Last evaluated: 2018-01-13. Review status: criteria provided, single submitter. Criteria: ICSL Variant Classification Criteria 13 December 2019. Collection method: clinical testing. Allele origin: germline.
Comment: This variant was observed in the ICSL laboratory as part of a predisposition screen in an ostensibly healthy population. It had not been previously curated by ICSL or reported in the Human Gene Mutation Database (HGMD: prior to June 1st, 2018), and was therefore a candidate for classification through an automated scoring system. Utilizing variant allele frequency, disease prevalence and penetrance estimates, and inheritance mode, an automated score was calculated to assess if this variant is too frequent to cause the disease. Based on the score and internal cut-off values, a variant classified as benign is not then subjected to further curation. The score for this variant resulted in a classification of benign for this disease.

Breakthrough Genomics
Classification: Benign. Review status: criteria provided, single submitter. Criteria: ACMG Guidelines, 2015. Collection method: not provided. Allele origin: germline. Inheritance: Autosomal dominant inheritance. Affected: yes.

NM_031935.3(HMCN1):c.8166T>C (p.Asn2722=)

Gene: HMCN1 (hemicentin 1; plus strand). Cytogenetic location: 1q31.1.
Variant type: single nucleotide variant.
Coding change: c.8166T>C on transcript NM_031935.3 (MANE Select); coding-DNA position 8166, T replaced by C.
Protein change: p.Asn2722=; no amino-acid change (asparagine 2722 retained).
Molecular consequence: synonymous variant.
Genome position (GRCh38, 1-based): chr1:186,074,767, T>C. VCF-style: chr1-186074767-T-C. GRCh37 (hg19) VCF-style: chr1-186043899-T-C.
Identifiers: ClinVar variation 294195 (VCV000294195.16), dbSNP rs77026548, ClinGen allele CA1293058.